The following is an entry in ClinVar:

NM_000038.6(APC):c.3060A>G (p.Glu1020=)

Gene: APC (APC regulator of Wnt signaling pathway; plus strand). Cytogenetic location: 5q22.2.
Variant type: single nucleotide variant.
Coding change: c.3060A>G on transcript NM_000038.6 (MANE Select); coding-DNA position 3060, A replaced by G.
Protein change: p.Glu1020=; no amino-acid change (glutamic acid 1020 retained).
Molecular consequence: synonymous variant.
Genome position (GRCh38, 1-based): chr5:112,838,654, A>G. VCF-style: chr5-112838654-A-G. GRCh37 (hg19) VCF-style: chr5-112174351-A-G.
Other names: c.3060A>G, p.Glu1020= (NM_001127510.3, NM_001354895.2); c.3006A>G, p.Glu1002= (NM_001127511.3); c.3114A>G, p.Glu1038= (NM_001354896.2); c.3090A>G, p.Glu1030= (NM_001354897.2); c.2985A>G, p.Glu995= (NM_001354898.2); c.2976A>G, p.Glu992= (NM_001354899.2); c.2937A>G, p.Glu979= (NM_001354900.2); c.2883A>G, p.Glu961= (NM_001354901.2); and 5 more.
Identifiers: ClinVar variation 386765 (VCV000386765.22), dbSNP rs1057522595, ClinGen allele CA16605157.
Genomic context (GRCh38, chr5:112,838,654, plus strand): 5'-CCCAGCCGACCTAGCCCATAAAATACATAGTGCAAATCATATGGATGATAATGATGGAGA[A>G]CTAGATACACCAATAAATTATAGTCTTAAATATTCAGATGAGCAGTTGAACTCTGGAAGG-3'
Protein context (NP_000029.2, residues 1010-1030): SANHMDDNDG[Glu1020=]LDTPINYSLK

ClinVar aggregate classification (germline): Benign/Likely benign. Review status: criteria provided, multiple submitters, no conflicts (2 of 4 stars). 8 submissions from 8 submitters: Benign (1); Likely benign (7). Last evaluated 2025-03-04.

Conditions:
Classic or attenuated familial adenomatous polyposis. Identifiers: MedGen CN372698, MONDO:0021057.
Hereditary cancer-predisposing syndrome. Also called: Tumor predisposition; Neoplastic Syndromes, Hereditary; Hereditary neoplastic syndrome; Hereditary Cancer Syndrome. Identifiers: Orphanet 140162, MedGen C0027672, MeSH D009386, MONDO:0015356.
Familial adenomatous polyposis 1 (FAP1). Also called: FAMILIAL ADENOMATOUS POLYPOSIS 1, ATTENUATED; POLYPOSIS, ADENOMATOUS INTESTINAL. Identifiers: MedGen C2713442, MONDO:0021056, OMIM 175100. Disease mechanism: loss of function.

Allele frequency attached by ClinVar (database versions not stated): gnomAD exomes below 0.00001.
gnomAD v4.1: 1 of 1,614,206 alleles (0.000062%); highest among the groups gnomAD compares: Non-Finnish European, 0.000085%; no homozygotes.

Submissions (8):

Center for Genomic Medicine, Rigshospitalet, Copenhagen University Hospital
Classification: Likely benign. Last evaluated: 2025-03-04. Review status: criteria provided, single submitter. Criteria: ACMG Guidelines, 2015. Collection method: clinical testing. Allele origin: germline.

Labcorp Genetics (formerly Invitae), Labcorp
Classification: Likely benign for Familial adenomatous polyposis 1. Last evaluated: 2024-08-08. Review status: criteria provided, single submitter. Criteria: Invitae Variant Classification Sherloc (09022015). Collection method: clinical testing. Allele origin: germline.

Myriad Genetics, Inc.
Classification: Benign for Familial adenomatous polyposis 1. Last evaluated: 2024-03-18. Review status: criteria provided, single submitter. Criteria: Myriad Autosomal Dominant, Autosomal Recessive and X-Linked Classification Criteria (2023). Collection method: clinical testing. Allele origin: unknown.
Comment: This variant is considered benign. This variant is a silent/synonymous amino acid change and it is not expected to impact splicing.

Blueprint Genetics
Classification: Likely benign. Last evaluated: 2023-12-29. Review status: criteria provided, single submitter. Criteria: ACMG Guidelines, 2015. Collection method: clinical testing. Allele origin: germline.

All of Us Research Program, National Institutes of Health
Classification: Likely benign for Classic or attenuated familial adenomatous polyposis. Last evaluated: 2023-11-16. Review status: criteria provided, single submitter. Criteria: ACMG Guidelines, 2015. Collection method: clinical testing. Allele origin: germline. Inheritance: Autosomal dominant inheritance. Observed: 1 variant allele, 1 heterozygote.
Comment: This study involves interpretation of variants in research participants for the purpose of population health screening. Participant phenotype was not available at the time of variant classification. Additional details can be found in publication PMID: 35346344, PMCID: PMC8962531

Color Diagnostics, LLC DBA Color Health
Classification: Likely benign for Hereditary cancer-predisposing syndrome. Last evaluated: 2019-08-21. Review status: criteria provided, single submitter. Criteria: ACMG Guidelines, 2015. Collection method: clinical testing. Allele origin: germline.

GeneDx
Classification: Likely benign. Last evaluated: 2016-06-02. Review status: criteria provided, single submitter. Criteria: GeneDx Variant Classification (06012015). Collection method: clinical testing. Allele origin: germline. Affected: yes.
Comment: This variant is considered likely benign or benign based on one or more of the following criteria: it is a conservative change, it occurs at a poorly conserved position in the protein, it is predicted to be benign by multiple in silico algorithms, and/or has population frequency not consistent with disease.

Ambry Genetics
Classification: Likely benign for Hereditary cancer-predisposing syndrome. Last evaluated: 2016-02-22. Review status: criteria provided, single submitter. Criteria: Ambry Variant Classification Scheme 2023. Collection method: clinical testing. Allele origin: germline.